The following is an entry in ClinVar:

NM_014334.4(FRRS1L):c.727G>C (p.Asp243His)

Gene: FRRS1L (ferric chelate reductase 1 like; minus strand). Cytogenetic location: 9q31.3.
Variant type: single nucleotide variant.
Coding change: c.727G>C on transcript NM_014334.4 (MANE Select); coding-DNA position 727, G replaced by C.
Protein change: p.Asp243His; replaces aspartic acid 243 with histidine.
Molecular consequence: missense variant.
Genome position (GRCh38, 1-based): chr9:109,137,610, C>G on the plus strand (G>C on the coding strand, the complement: FRRS1L is on the minus strand). VCF-style: chr9-109137610-C-G. GRCh37 (hg19) VCF-style: chr9-111899890-C-G.
Other names: short protein forms D243H.
Identifiers: ClinVar variation 963399 (VCV000963399.10), dbSNP rs374121699, ClinGen allele CA197560353.

ClinVar aggregate classification (germline): Uncertain significance (1 of 4 stars; one submission).

Conditions:
Developmental and epileptic encephalopathy, 37 (DEE37). Also called: Epileptic encephalopathy, early infantile, 37. Identifiers: MedGen C4310770, MONDO:0014859, OMIM 616981.

Allele frequency attached by ClinVar (database versions not stated): gnomAD exomes below 0.00001; gnomAD 0.00001 and 0.00002; TOPMed 0.00004; ESP Exome Variant Server 0.00008.

Submission:

Labcorp Genetics (formerly Invitae), Labcorp
Classification: Uncertain significance for Developmental and epileptic encephalopathy, 37. Last evaluated: 2019-10-20. Review status: criteria provided, single submitter. Criteria: Invitae Variant Classification Sherloc (09022015). Collection method: clinical testing. Allele origin: germline.
Comment: This variant is not present in population databases (ExAC no frequency). In summary, the available evidence is currently insufficient to determine the role of this variant in disease. Therefore, it has been classified as a Variant of Uncertain Significance. Algorithms developed to predict the effect of missense changes on protein structure and function are either unavailable or do not agree on the potential impact of this missense change (SIFT: "Deleterious"; PolyPhen-2: "Benign"; Align-GVGD: "Class C0"). This variant has not been reported in the literature in individuals with FRRS1L-related conditions. This sequence change replaces aspartic acid with histidine at codon 294 of the FRRS1L protein (p.Asp294His). The aspartic acid residue is highly conserved and there is a moderate physicochemical difference between aspartic acid and histidine.